The following is an entry in ClinVar:

ClinVar aggregate classification (germline): Conflicting classifications of pathogenicity. Review status: criteria provided, conflicting classifications (1 of 4 stars). 4 submissions from 4 submitters: Likely pathogenic (1); Uncertain significance (1); Benign (2). Last evaluated 2026-04-01.

Conditions:
Cardiac valvular defect, developmental (CVDP1). Also called: CARDIAC VALVULAR DYSPLASIA 1. Identifiers: MedGen C5774175, MONDO:0008913, OMIM 212093.

Allele frequency attached by ClinVar (database versions not stated): gnomAD exomes 0.00047; ESP Exome Variant Server 0.00054; ExAC 0.00069; gnomAD 0.00072; TOPMed 0.00073.
gnomAD v4.1: 844 of 1,611,036 alleles (0.052%); highest among the groups gnomAD compares: Admixed American, 0.032%; 7 homozygotes.

Submissions (5):

CeGaT Center for Human Genetics Tuebingen
Classification: Benign. Last evaluated: 2026-04-01. Review status: criteria provided, single submitter. Criteria: CeGaT Center For Human Genetics Tuebingen Variant Classification Criteria Version 2. Collection method: clinical testing. Allele origin: germline. Affected: yes. Observed: 1 variant allele.
Comment: PLD1: BS1, BS2

Labcorp Genetics (formerly Invitae), Labcorp
Classification: Benign. Last evaluated: 2025-06-01. Review status: criteria provided, single submitter. Criteria: Invitae Variant Classification Sherloc (09022015). Collection method: clinical testing. Allele origin: germline.

Blueprint Genetics
Classification: Uncertain significance. Last evaluated: 2024-09-24. Review status: criteria provided, single submitter. Criteria: ACMG Guidelines, 2015. Collection method: clinical testing. Allele origin: germline.

New York Genome Center
Classification: Likely pathogenic for Cardiac valvular defect, developmental. Last evaluated: 2023-06-29. Review status: criteria provided, single submitter. Criteria: NYGC Assertion Criteria 2020. Collection method: clinical testing. Allele origin: inherited. Affected: yes. Observed: 1 variant allele, 1 homozygote.
Comment: The homozygous c.2002A>T, p.(Ile668Phe) variant identified in the PLD1 gene has been reported in homozygous state in 4 individuals in three independent families and in compound heterozygosity with a second PLD1 variant in one individual in an additional family [PMID:33645542]. Phenotypes in these affected individuals include hypoplastic right ventricle, pulmonary valve defect, tricuspid valve defect, and pulmonary artery hypoplasia [PMID:33645542]. The c.2002A>T, p.(Ile668Phe) variant is hypothesized to be a founder variant in the Ashkenazi Jewish population, and it is found with an allele frequency ~2% in individuals with Ashkenazi Jewish ancestry (gnomADv2.1.1, gnomADv3.1.2, BRAVO-TOPMed) [PMID:33645542]. This variant is present in the HKD2 domain of PLD1 where other pathogenic missense variants have been reported, and functional studies demonstrate significantly reduced PMA-stimulated activity of the p.Ile668Phe variant compared to wildtype [PMID:33645542]. Given the available evidence, the homozygous c.2002A>T, p.(Ile668Phe) variant identified in the PLD1 gene is reported as Likely Pathogenic.

Dr. Peter K. Rogan Lab, Western University
No classification provided (evidence only). Condition: Colorectal cancer. Review status: no classification provided. Collection method: in vitro. Allele origin: not applicable. Functional consequence: retained intron. Not counted in ClinVar's aggregate classification.

Literature cited by the submitters: PubMed 33645542 (cited by New York Genome Center).

NM_002662.5(PLD1):c.2002A>T (p.Ile668Phe)

Gene: PLD1 (phospholipase D1; minus strand). Cytogenetic location: 3q26.31.
Variant type: single nucleotide variant.
Coding change: c.2002A>T on transcript NM_002662.5 (MANE Select); coding-DNA position 2002, A replaced by T.
Protein change: p.Ile668Phe; replaces isoleucine 668 with phenylalanine.
Molecular consequence: missense variant.
Genome position (GRCh38, 1-based): chr3:171,676,828, T>A on the plus strand (A>T on the coding strand, the complement: PLD1 is on the minus strand). VCF-style: chr3-171676828-T-A. GRCh37 (hg19) VCF-style: chr3-171394618-T-A.
Other names: c.1888A>T, p.Ile630Phe (NM_001130081.3); short protein forms I668F, I630F.
Identifiers: ClinVar variation 2043767 (VCV002043767.9), dbSNP rs150452354, ClinGen allele CA2704417.